The following is an entry in ClinVar:

NM_198253.3(TERT):c.3158-1G>C

Gene: TERT (telomerase reverse transcriptase; minus strand). Cytogenetic location: 5p15.33.
Variant type: single nucleotide variant.
Coding change: c.3158-1G>C on transcript NM_198253.3 (MANE Select); the canonical splice acceptor site of the intron before coding-DNA position 3158, G replaced by C.
Molecular consequence: splice acceptor variant.
Genome position (GRCh38, 1-based): chr5:1,254,506, C>G on the plus strand (G>C on the coding strand, the complement: TERT is on the minus strand). VCF-style: chr5-1254506-C-G. GRCh37 (hg19) VCF-style: chr5-1254621-C-G.
Other names: c.2969-1G>C (NM_001193376.3).
Identifiers: ClinVar variation 4784911 (VCV004784911.1).

ClinVar aggregate classification (germline): Likely pathogenic (1 of 4 stars; one submission).

Conditions:
Dyskeratosis congenita, autosomal dominant 2. Identifiers: MedGen C3151443, MONDO:0013521, OMIM 613989.
Idiopathic Pulmonary Fibrosis. Also called: Idiopathic fibrosing alveolitis, chronic form; idiopathic fibrosing alveolitis. Identifiers: Orphanet 2032, MedGen C1800706, MeSH D054990, MONDO:0800504.

Submission:

Labcorp Genetics (formerly Invitae), Labcorp
Classification: Likely pathogenic for Dyskeratosis congenita, autosomal dominant 2; Idiopathic Pulmonary Fibrosis. Last evaluated: 2025-05-04. Review status: criteria provided, single submitter. Criteria: Invitae Variant Classification Sherloc (09022015). Collection method: clinical testing. Allele origin: germline.
Comment: This sequence change affects an acceptor splice site in intron 14 of the TERT gene. It is expected to disrupt RNA splicing. Variants that disrupt the donor or acceptor splice site typically lead to a loss of protein function (PMID: 16199547), and loss-of-function variants in TERT are known to be pathogenic (PMID: 16247010, 17460043). This variant is not present in population databases (gnomAD no frequency). This variant has not been reported in the literature in individuals affected with TERT-related conditions. Algorithms developed to predict the effect of sequence changes on RNA splicing suggest that this variant may disrupt the consensus splice site. In summary, the currently available evidence indicates that the variant is pathogenic, but additional data are needed to prove that conclusively. Therefore, this variant has been classified as Likely Pathogenic.

Literature cited by the submitters: PubMed 16199547; PubMed 16247010; PubMed 17460043.